The following is an entry in ClinVar:

ClinVar aggregate classification (germline): Likely pathogenic (1 of 4 stars; one submission).

Submission:

Labcorp Genetics (formerly Invitae), Labcorp
Classification: Likely pathogenic. Last evaluated: 2020-07-07. Review status: criteria provided, single submitter. Criteria: Invitae Variant Classification Sherloc (09022015). Collection method: clinical testing. Allele origin: germline.
Comment: This sequence change affects an acceptor splice site in intron 23 of the CDH23 gene. It is expected to disrupt RNA splicing and likely results in an absent or disrupted protein product. In summary, the currently available evidence indicates that the variant is pathogenic, but additional data are needed to prove that conclusively. Therefore, this variant has been classified as Likely Pathogenic. Donor and acceptor splice site variants typically lead to a loss of protein function (PMID: 16199547), and loss-of-function variants in CDH23 are known to be pathogenic (PMID: 11138009, 21940737). Algorithms developed to predict the effect of sequence changes on RNA splicing suggest that this variant may disrupt the consensus splice site, but this prediction has not been confirmed by published transcriptional studies. This variant has not been reported in the literature in individuals with CDH23-related conditions. This variant is not present in population databases (ExAC no frequency).

Literature cited by the submitters: PubMed 16199547; PubMed 11138009; PubMed 21940737.

NM_022124.6(CDH23):c.2588-1G>T

Gene: CDH23 (cadherin related 23; plus strand). Cytogenetic location: 10q22.1.
Variant type: single nucleotide variant.
Coding change: c.2588-1G>T on transcript NM_022124.6 (MANE Select); the canonical splice acceptor site of the intron before coding-DNA position 2588, G replaced by T.
Molecular consequence: splice acceptor variant.
Genome position (GRCh38, 1-based): chr10:71,702,548, G>T. VCF-style: chr10-71702548-G-T. GRCh37 (hg19) VCF-style: chr10-73462305-G-T.
Other names: c.2588-1G>T (NM_001171930.2, NM_001171931.2).
Identifiers: ClinVar variation 1066845 (VCV001066845.7), dbSNP rs2132732963, ClinGen allele CA377137947.